The following is an entry in ClinVar:

ClinVar aggregate classification (germline): Uncertain significance (1 of 4 stars; one submission).

Conditions:
PKD1L1-related disorder. Also called: PKD1L1-related condition.

Submission:

PreventionGenetics, part of Exact Sciences
Classification: Uncertain significance for PKD1L1-related condition. Last evaluated: 2025-11-26. Review status: criteria provided, single submitter. Criteria: ACMG Guidelines, 2015. Collection method: clinical testing. Allele origin: germline.
Comment: The PKD1L1 c.5963C>G variant is predicted to result in the amino acid substitution p.Pro1988Arg. To our knowledge, this variant has not been reported in the literature or in a large population database (gnomAD), indicating this variant is rare. At this time, the clinical significance of this variant is uncertain due to the absence of conclusive functional and genetic evidence.

NM_138295.5(PKD1L1):c.5963C>G (p.Pro1988Arg)

Gene: PKD1L1 (polycystin 1 like 1, transient receptor potential channel interacting; minus strand). Cytogenetic location: 7p12.3.
Variant type: single nucleotide variant.
Coding change: c.5963C>G on transcript NM_138295.5 (MANE Select); coding-DNA position 5963, C replaced by G.
Protein change: p.Pro1988Arg; replaces proline 1988 with arginine.
Molecular consequence: missense variant.
Genome position (GRCh38, 1-based): chr7:47,835,224, G>C on the plus strand (C>G on the coding strand, the complement: PKD1L1 is on the minus strand). VCF-style: chr7-47835224-G-C. GRCh37 (hg19) VCF-style: chr7-47874822-G-C.
Other names: short protein forms P1988R.
Identifiers: ClinVar variation 4993059 (VCV004993059.1).